The following is an entry in ClinVar:

NM_000548.5(TSC2):c.5059T>A (p.Cys1687Ser)

Gene: TSC2 (TSC complex subunit 2; plus strand). Cytogenetic location: 16p13.3.
Variant type: single nucleotide variant.
Coding change: c.5059T>A on transcript NM_000548.5 (MANE Select); coding-DNA position 5059, T replaced by A.
Protein change: p.Cys1687Ser; replaces cysteine 1687 with serine.
Molecular consequence: missense variant.
Genome position (GRCh38, 1-based): chr16:2,087,932, T>A. VCF-style: chr16-2087932-T-A. GRCh37 (hg19) VCF-style: chr16-2137933-T-A.
Other names: c.4858T>A, p.Cys1620Ser (NM_001077183.3); c.4990T>A, p.Cys1664Ser (NM_001114382.3); c.4750T>A, p.Cys1584Ser (NM_001318827.2); c.4714T>A, p.Cys1572Ser (NM_001318829.2); c.4327T>A, p.Cys1443Ser (NM_001318831.2); c.4891T>A, p.Cys1631Ser (NM_001318832.2); c.4861T>A, p.Cys1621Ser (NM_001363528.2); c.4927T>A, p.Cys1643Ser (NM_001370404.1); and 1 more; short protein forms C1584S, C1643S, C1664S, C1631S, C1443S, C1572S, C1644S, C1687S.
Identifiers: ClinVar variation 1357870 (VCV001357870.8), dbSNP rs184892282, ClinGen allele CA394311649.

ClinVar aggregate classification (germline): Uncertain significance (1 of 4 stars; one submission).

Conditions:
Tuberous sclerosis 2 (TSC2). Identifiers: Orphanet 805, MedGen C1860707, MONDO:0013199, OMIM 613254.

Submission:

Labcorp Genetics (formerly Invitae), Labcorp
Classification: Uncertain significance for Tuberous sclerosis 2. Last evaluated: 2021-05-31. Review status: criteria provided, single submitter. Criteria: Invitae Variant Classification Sherloc (09022015). Collection method: clinical testing. Allele origin: germline.
Comment: This sequence change replaces cysteine with serine at codon 1687 of the TSC2 protein (p.Cys1687Ser). The cysteine residue is highly conserved and there is a moderate physicochemical difference between cysteine and serine. This variant is not present in population databases (ExAC no frequency). This variant has not been reported in the literature in individuals with TSC2-related conditions. Advanced modeling of protein sequence and biophysical properties (such as structural, functional, and spatial information, amino acid conservation, physicochemical variation, residue mobility, and thermodynamic stability) performed at Invitae indicates that this missense variant is not expected to disrupt TSC2 protein function. In summary, the available evidence is currently insufficient to determine the role of this variant in disease. Therefore, it has been classified as a Variant of Uncertain Significance.